The following is an entry in ClinVar:

NM_021224.6(ZNF462):c.2271C>G (p.Ala757=)

Gene: ZNF462 (zinc finger protein 462; plus strand). Cytogenetic location: 9q31.2.
Variant type: single nucleotide variant.
Coding change: c.2271C>G on transcript NM_021224.6 (MANE Select); coding-DNA position 2271, C replaced by G.
Protein change: p.Ala757=; no amino-acid change (alanine 757 retained).
Molecular consequence: synonymous variant.
Genome position (GRCh38, 1-based): chr9:106,926,183, C>G. VCF-style: chr9-106926183-C-G. GRCh37 (hg19) VCF-style: chr9-109688464-C-G.
Other names: c.2271C>G, p.Ala757= (NM_001347997.2).
Identifiers: ClinVar variation 3039916 (VCV003039916.16), dbSNP rs34808503, ClinGen allele CA5171469.

ClinVar aggregate classification (germline): Likely benign. Review status: criteria provided, single submitter (1 of 4 stars). 2 submissions from 2 submitters: Likely benign (1). 1 of the submissions does not count toward it. Last evaluated 2024-10-01.

Conditions:
ZNF462-related disorder. Also called: ZNF462-related condition; ZNF462 related disease.

Allele frequency attached by ClinVar (database versions not stated): TOPMed 0.00087; 1000 Genomes Project 0.00060; 1000 Genomes Project 30x 0.00062; ExAC 0.00084; ESP Exome Variant Server 0.00085.
gnomAD v4.1: 2,132 of 1,614,106 alleles (0.13%); highest among the groups gnomAD compares: Non-Finnish European, 0.17%; 3 homozygotes.

Submissions (2):

CeGaT Center for Human Genetics Tuebingen
Classification: Likely benign. Last evaluated: 2024-10-01. Review status: criteria provided, single submitter. Criteria: CeGaT Center For Human Genetics Tuebingen Variant Classification Criteria Version 2. Collection method: clinical testing. Allele origin: germline. Affected: yes. Observed: 1 variant allele.
Comment: ZNF462: BP4, BP7, BS1

PreventionGenetics, part of Exact Sciences
Classification: Likely benign for ZNF462-related condition. Last evaluated: 2023-12-28. Review status: no assertion criteria provided. Collection method: clinical testing. Allele origin: germline. Not counted in ClinVar's aggregate classification.
Comment: This variant is classified as likely benign based on ACMG/AMP sequence variant interpretation guidelines (Richards et al. 2015 PMID: 25741868, with internal and published modifications).